The following is an entry in ClinVar:

ClinVar aggregate classification (germline): Likely pathogenic (1 of 4 stars; one submission).

Submission:

GeneDx
Classification: Likely pathogenic. Last evaluated: 2025-04-22. Review status: criteria provided, single submitter. Criteria: GeneDx Variant Classification Process June 2021. Collection method: clinical testing. Allele origin: germline. Affected: yes.
Comment: Frameshift variant predicted to result in protein truncation or nonsense mediated decay in a gene for which loss of function is a known mechanism of disease; Not observed at significant frequency in large population cohorts (gnomAD); Has not been previously published as pathogenic or benign to our knowledge

NM_001130438.3(SPTAN1):c.6513del (p.Tyr2172fs)

Gene: SPTAN1 (spectrin alpha, non-erythrocytic 1; plus strand). Cytogenetic location: 9q34.11.
Variant type: Deletion.
Coding change: c.6513del on transcript NM_001130438.3 (MANE Select); coding-DNA position 6513, one base deleted (C; older notation c.6513delC).
Protein change: p.Tyr2172fs; shifts the reading frame from tyrosine 2172.
Molecular consequence: frameshift variant.
Genome position (GRCh38, 1-based): chr9:128,626,624, C deleted; the last of 4 consecutive C bases (chr9:128,626,621-128,626,624); deleting any one gives the same sequence. VCF-style (leftmost placement, unchanged base first): chr9-128626620-AC-A. GRCh37 (hg19) VCF-style: chr9-131388899-AC-A.
Other names: c.6438del, p.Tyr2147fs (NM_001195532.2, NM_001438441.1, NM_001438444.1); c.6513del, p.Tyr2172fs (NM_001363759.2, NM_001375310.1, NM_001375311.2 and 1 more transcripts); c.6453del, p.Tyr2152fs (NM_001363765.2, NM_001375314.2, NM_001438442.1); c.6549del, p.Tyr2184fs (NM_001375312.2, NM_001375318.1, NM_001438440.1); c.6498del, p.Tyr2167fs (NM_001438443.1, NM_001438445.1, NM_003127.4); short protein forms Y2147fs, Y2152fs, Y2167fs, Y2172fs, Y2184fs.
Identifiers: ClinVar variation 4527195 (VCV004527195.1).